The following is an entry in ClinVar:

NM_004260.4(RECQL4):c.1720G>C (p.Val574Leu)

Gene: RECQL4 (RecQ like helicase 4; minus strand). Cytogenetic location: 8q24.3.
Variant type: single nucleotide variant.
Coding change: c.1720G>C on transcript NM_004260.4 (MANE Select); coding-DNA position 1720, G replaced by C.
Protein change: p.Val574Leu; replaces valine 574 with leucine.
Molecular consequence: missense variant. On other transcripts: non-coding transcript variant (3), intron variant (3).
Genome position (GRCh38, 1-based): chr8:144,514,347, C>G on the plus strand (G>C on the coding strand, the complement: RECQL4 is on the minus strand). VCF-style: chr8-144514347-C-G. GRCh37 (hg19) VCF-style: chr8-145739731-C-G.
Other names: c.1720G>C (NM_004260.3); c.583G>C, p.Val195Leu (NM_001413027.1, NM_001413030.1, NM_001413032.1 and 1 more transcripts); c.649G>C, p.Val217Leu (NM_001413028.1, NM_001413034.1, NM_001413035.1 and 6 more transcripts); c.1369G>C, p.Val457Leu (NM_001413029.1); c.1720G>C, p.Val574Leu (NM_001413036.1, NM_001413018.1, NM_001413019.1); c.1690G>C, p.Val564Leu (NM_001413039.1); c.1624G>C, p.Val542Leu (NM_001413017.1, NM_001413020.1); c.1591G>C, p.Val531Leu (NM_001413025.1); and 5 more; short protein forms V217L, V195L, V564L, V457L, V531L, V542L, V85L, V207L.
Identifiers: ClinVar variation 2716064 (VCV002716064.4), dbSNP rs368983561, ClinGen allele CA372681244.

ClinVar aggregate classification (germline): Uncertain significance. Review status: criteria provided, multiple submitters, no conflicts (2 of 4 stars). 2 submissions from 2 submitters: Uncertain significance (2). Last evaluated 2024-11-21.

Conditions:
Inborn genetic diseases. Identifiers: MedGen C0950123, MeSH D030342.
Baller-Gerold syndrome (BGS). Also called: CRANIOSYNOSTOSIS WITH RADIAL DEFECTS. Identifiers: Orphanet 1225, MedGen C0265308, MONDO:0009039, OMIM 218600.

Submissions (2):

Ambry Genetics
Classification: Uncertain significance for Inborn genetic diseases. Last evaluated: 2024-11-21. Review status: criteria provided, single submitter. Criteria: Ambry Variant Classification Scheme 2023. Collection method: clinical testing. Allele origin: germline.
Comment: The p.V574L variant (also known as c.1720G>C), located in coding exon 11 of the RECQL4 gene, results from a G to C substitution at nucleotide position 1720. The valine at codon 574 is replaced by leucine, an amino acid with highly similar properties. This amino acid position is conserved. In addition, this alteration is predicted to be tolerated by in silico analysis. Based on the available evidence, the clinical significance of this variant remains unclear.

Labcorp Genetics (formerly Invitae), Labcorp
Classification: Uncertain significance for Baller-Gerold syndrome. Last evaluated: 2023-01-20. Review status: criteria provided, single submitter. Criteria: Invitae Variant Classification Sherloc (09022015). Collection method: clinical testing. Allele origin: germline.
Comment: This sequence change replaces valine, which is neutral and non-polar, with leucine, which is neutral and non-polar, at codon 574 of the RECQL4 protein (p.Val574Leu). This variant is not present in population databases (gnomAD no frequency). This variant has not been reported in the literature in individuals affected with RECQL4-related conditions. Advanced modeling of protein sequence and biophysical properties (such as structural, functional, and spatial information, amino acid conservation, physicochemical variation, residue mobility, and thermodynamic stability) performed at Invitae indicates that this missense variant is not expected to disrupt RECQL4 protein function. In summary, the available evidence is currently insufficient to determine the role of this variant in disease. Therefore, it has been classified as a Variant of Uncertain Significance.